The following is an entry in ClinVar:

NM_001033602.4(MTUS2):c.3246C>T (p.Phe1082=)

Genes: MTUS2 (microtubule associated scaffold protein 2; plus strand), MTUS2-AS1 (MTUS2 antisense RNA 1; minus strand). Cytogenetic location: 13q12.3.
Variant type: single nucleotide variant.
Coding change: c.3246C>T on transcript NM_001033602.4 (MANE Select); coding-DNA position 3246, C replaced by T.
Protein change: p.Phe1082=; no amino-acid change (phenylalanine 1082 retained).
Molecular consequence: synonymous variant.
Genome position (GRCh38, 1-based): chr13:29,480,211, C>T. VCF-style: chr13-29480211-C-T. GRCh37 (hg19) VCF-style: chr13-30054348-C-T.
Other names: c.3243C>T, p.Phe1081= (NM_001366650.1); c.3048C>T, p.Phe1016= (NM_001366651.1); c.3246C>T, p.Phe1082= (NM_001384605.1, NM_001384606.1); c.183C>T, p.Phe61= (NM_015233.6).
Identifiers: ClinVar variation 2643709 (VCV002643709.24), dbSNP rs1396125954, ClinGen allele CA483433327.
Genomic context (GRCh38, chr13:29,480,211, plus strand): 5'-CTTCCATACAGCAAAGTGCGAGAAACTACAAAAGGAGAAGGAGGAGCTGGAGAGGCGGTT[C>T]GAGGACGAGGTGAAGAGGCTGGGCTGGCAGCAGCAGGCCGAGCTCCAGGAGCTGGAGGAG-3'
Protein context (NP_001028774.3, residues 1072-1092): QKEKEELERR[Phe1082=]EDEVKRLGWQ

ClinVar aggregate classification (germline): Likely benign (1 of 4 stars; one submission).

Allele frequency attached by ClinVar (database versions not stated): gnomAD 0.00001; TOPMed 0.00002.
gnomAD v4.1: 13 of 1,555,042 alleles (0.00084%); highest among the groups gnomAD compares: Middle Eastern, 0.051%; no homozygotes.

Submission:

CeGaT Center for Human Genetics Tuebingen
Classification: Likely benign. Last evaluated: 2023-02-01. Review status: criteria provided, single submitter. Criteria: CeGaT Center For Human Genetics Tuebingen Variant Classification Criteria Version 2. Collection method: clinical testing. Allele origin: germline. Affected: yes. Observed: 1 variant allele.
Comment: MTUS2: BP4, BP7